The following is an entry in ClinVar:

NM_022051.2(EGLN1):c.-2203T>C

Gene: EGLN1 (egl-9 family hypoxia inducible factor 1; minus strand). Cytogenetic location: 1q42.2.
Variant type: single nucleotide variant.
Coding change: c.-2203T>C on transcript NM_022051.2; 2203 bases upstream of the start codon, T replaced by C.
Genome position (GRCh38, 1-based): chr1:231,424,091, A>G on the plus strand (T>C on the coding strand, the complement: EGLN1 is on the minus strand). VCF-style: chr1-231424091-A-G. GRCh37 (hg19) VCF-style: chr1-231559837-A-G.
Identifiers: ClinVar variation 296232 (VCV000296232.7), dbSNP rs184200552, ClinGen allele CA10609505.

ClinVar aggregate classification (germline): Benign (1 of 4 stars; one submission).

Conditions:
Erythrocytosis, familial, 3 (ECYT3). Identifiers: Orphanet 247511, MedGen C1853286, MONDO:0012353, OMIM 609820.

Allele frequency attached by ClinVar (database versions not stated): 1000 Genomes Project 0.00080; gnomAD 0.00091 and 0.00094; TOPMed 0.00108; 1000 Genomes Project 30x 0.00094.

Submission:

Illumina Laboratory Services, Illumina
Classification: Benign for Erythrocytosis, familial, 3. Last evaluated: 2018-01-13. Review status: criteria provided, single submitter. Criteria: ICSL Variant Classification Criteria 13 December 2019. Collection method: clinical testing. Allele origin: germline.
Comment: This variant was observed in the ICSL laboratory as part of a predisposition screen in an ostensibly healthy population. It had not been previously curated by ICSL or reported in the Human Gene Mutation Database (HGMD: prior to June 1st, 2018), and was therefore a candidate for classification through an automated scoring system. Utilizing variant allele frequency, disease prevalence and penetrance estimates, and inheritance mode, an automated score was calculated to assess if this variant is too frequent to cause the disease. Based on the score and internal cut-off values, a variant classified as benign is not then subjected to further curation. The score for this variant resulted in a classification of benign for this disease.